The following is an entry in ClinVar:

ClinVar aggregate classification (germline): Pathogenic (1 of 4 stars; one submission).

Allele frequency attached by ClinVar (database versions not stated): gnomAD exomes below 0.00001.

Submission:

Labcorp Genetics (formerly Invitae), Labcorp
Classification: Pathogenic. Last evaluated: 2023-08-24. Review status: criteria provided, single submitter. Criteria: Invitae Variant Classification Sherloc (09022015). Collection method: clinical testing. Allele origin: germline.
Comment: For these reasons, this variant has been classified as Pathogenic. This variant has not been reported in the literature in individuals affected with NBAS-related conditions. This variant is not present in population databases (gnomAD no frequency). This sequence change creates a premature translational stop signal (p.Thr1254Asnfs*4) in the NBAS gene. It is expected to result in an absent or disrupted protein product. Loss-of-function variants in NBAS are known to be pathogenic (PMID: 26073778, 26541327, 27789416, 28031453).

Literature cited by the submitters: PubMed 26073778; PubMed 26541327; PubMed 27789416; PubMed 28031453.

NM_015909.4(NBAS):c.3760dup (p.Thr1254fs)

Gene: NBAS (NBAS subunit of NRZ tethering complex; minus strand). Cytogenetic location: 2p24.3.
Variant type: Duplication.
Coding change: c.3760dup on transcript NM_015909.4 (MANE Select); coding-DNA position 3760, one base duplicated (A; older notation c.3760dupA).
Protein change: p.Thr1254fs; shifts the reading frame from threonine 1254.
Molecular consequence: frameshift variant. On other transcripts: non-coding transcript variant (1).
Genome position (GRCh38, 1-based): chr2:15,366,637, T duplicated on the plus strand (A on the coding strand, the reverse complement: NBAS is on the minus strand). VCF-style (leftmost placement, unchanged base first): chr2-15366636-G-GT. GRCh37 (hg19) VCF-style: chr2-15506760-G-GT.
Other names: short protein forms T1254fs.
Identifiers: ClinVar variation 2786603 (VCV002786603.3), dbSNP rs1558275354, ClinGen allele CA916480225.